The following is an entry in ClinVar:

NM_000057.4(BLM):c.1673T>C (p.Ile558Thr)

Gene: BLM (BLM RecQ like helicase; plus strand). Cytogenetic location: 15q26.1.
Variant type: single nucleotide variant.
Coding change: c.1673T>C on transcript NM_000057.4 (MANE Select); coding-DNA position 1673, T replaced by C.
Protein change: p.Ile558Thr; replaces isoleucine 558 with threonine.
Molecular consequence: missense variant.
Genome position (GRCh38, 1-based): chr15:90,761,046, T>C. VCF-style: chr15-90761046-T-C. GRCh37 (hg19) VCF-style: chr15-91304276-T-C.
Other names: c.1673T>C, p.Ile558Thr (NM_001287246.2, NM_001287247.2); c.548T>C, p.Ile183Thr (NM_001287248.2); c.1673T>C (NM_000057.2); short protein forms I183T, I558T.
Identifiers: ClinVar variation 1023099 (VCV001023099.11), dbSNP rs1469407831, ClinGen allele CA393843583.

ClinVar aggregate classification (germline): Uncertain significance. Review status: criteria provided, multiple submitters, no conflicts (2 of 4 stars). 3 submissions from 3 submitters: Uncertain significance (2). 1 of the submissions does not count toward it. Last evaluated 2022-04-10.

Conditions:
Hereditary cancer-predisposing syndrome. Also called: Hereditary Cancer Syndrome; Neoplastic Syndromes, Hereditary; Tumor predisposition; Hereditary neoplastic syndrome. Identifiers: Orphanet 140162, MedGen C0027672, MeSH D009386, MONDO:0015356.
Bloom syndrome (BLM). Also called: Bloom-Torre-Machacek syndrome. Identifiers: Orphanet 125, MedGen C0005859, MONDO:0008876, OMIM 210900.

Allele frequency attached by ClinVar (database versions not stated): gnomAD exomes below 0.00001.
gnomAD v4.1: 1 of 1,591,146 alleles (0.000063%); highest among the groups gnomAD compares: Admixed American, 0.0018%; no homozygotes.

Submissions (3):

Ambry Genetics
Classification: Uncertain significance for Hereditary cancer-predisposing syndrome. Last evaluated: 2022-04-10. Review status: criteria provided, single submitter. Criteria: Ambry Variant Classification Scheme 2023. Collection method: clinical testing. Allele origin: germline.
Comment: The p.I558T variant (also known as c.1673T>C), located in coding exon 6 of the BLM gene, results from a T to C substitution at nucleotide position 1673. The isoleucine at codon 558 is replaced by threonine, an amino acid with similar properties. This amino acid position is conserved. In addition, this alteration is predicted to be tolerated by in silico analysis. Since supporting evidence is limited at this time, the clinical significance of this alteration remains unclear.

Labcorp Genetics (formerly Invitae), Labcorp
Classification: Uncertain significance for Bloom syndrome. Last evaluated: 2021-09-01. Review status: criteria provided, single submitter. Criteria: Invitae Variant Classification Sherloc (09022015). Collection method: clinical testing. Allele origin: germline.
Comment: This sequence change replaces isoleucine with threonine at codon 558 of the BLM protein (p.Ile558Thr). The isoleucine residue is moderately conserved and there is a moderate physicochemical difference between isoleucine and threonine. This variant is not present in population databases (ExAC no frequency). This variant has not been reported in the literature in individuals affected with BLM-related conditions. Algorithms developed to predict the effect of missense changes on protein structure and function are either unavailable or do not agree on the potential impact of this missense change (SIFT: "Tolerated"; PolyPhen-2: "Possibly Damaging"; Align-GVGD: "Class C0"). In summary, the available evidence is currently insufficient to determine the role of this variant in disease. Therefore, it has been classified as a Variant of Uncertain Significance.

Natera, Inc.
Classification: Uncertain significance for Bloom syndrome. Last evaluated: 2020-01-13. Review status: no assertion criteria provided. Collection method: clinical testing. Allele origin: germline. Not counted in ClinVar's aggregate classification.